The following is an entry in ClinVar:

NM_001378609.3(OTOGL):c.3260del (p.Asn1087fs)

Gene: OTOGL (otogelin like; plus strand). Cytogenetic location: 12q21.31.
Variant type: Deletion.
Coding change: c.3260del on transcript NM_001378609.3 (MANE Select); coding-DNA position 3260, one base deleted (A; older notation c.3260delA).
Protein change: p.Asn1087fs; shifts the reading frame from asparagine 1087.
Molecular consequence: frameshift variant.
Genome position (GRCh38, 1-based): chr12:80,305,622, A deleted; the last of 3 consecutive A bases (chr12:80,305,620-80,305,622); deleting any one gives the same sequence. VCF-style (leftmost placement, unchanged base first): chr12-80305619-CA-C. GRCh37 (hg19) VCF-style: chr12-80699399-CA-C.
Other names: c.3125del, p.Asn1042fs (NM_001368062.3); c.3260del, p.Asn1087fs (NM_001378610.3, NM_173591.7); short protein forms N1087fs, N1042fs.
Identifiers: ClinVar variation 5005165 (VCV005005165.2).

ClinVar aggregate classification (germline): Likely pathogenic (1 of 4 stars; one submission).

Conditions:
Autosomal recessive nonsyndromic hearing loss 84B. Also called: Deafness, autosomal recessive 84b. Identifiers: Orphanet 90636, MedGen C3554159, MONDO:0013984, OMIM 614944.

Submission:

Juno Genomics, Hangzhou Juno Genomics, Inc
Classification: Likely pathogenic for Autosomal recessive nonsyndromic hearing loss 84B. Review status: criteria provided, single submitter. Criteria: ACMG Guidelines, 2015. Collection method: clinical testing. Allele origin: germline.
Comment: Null variant in a gene where loss of function (LOF) is a known mechanism of disease.;Absent from controls (or at extremely low frequency if recessive) in Genome Aggregation Database.